The following is an entry in ClinVar:

ClinVar aggregate classification (germline): Uncertain significance (1 of 4 stars; one submission).

Conditions:
Inborn genetic diseases. Identifiers: MedGen C0950123, MeSH D030342.

Submission:

Ambry Genetics
Classification: Uncertain significance for Inborn genetic diseases. Last evaluated: 2026-01-18. Review status: criteria provided, single submitter. Criteria: Ambry Variant Classification Scheme 2023. Collection method: clinical testing. Allele origin: germline.
Comment: The p.S282C variant (also known as c.844A>T), located in coding exon 3 of the MBD4 gene, results from an A to T substitution at nucleotide position 844. The serine at codon 282 is replaced by cysteine, an amino acid with dissimilar properties. This amino acid position is conserved. In addition, this alteration is predicted to be tolerated by in silico analysis. Based on the available evidence, the clinical significance of this variant remains unclear.

NM_001276270.2(MBD4):c.844A>T (p.Ser282Cys)

Gene: MBD4 (methyl-CpG binding domain 4, DNA glycosylase; minus strand). Cytogenetic location: 3q21.3.
Variant type: single nucleotide variant.
Coding change: c.844A>T on transcript NM_001276270.2 (MANE Select); coding-DNA position 844, A replaced by T.
Protein change: p.Ser282Cys; replaces serine 282 with cysteine.
Molecular consequence: missense variant. On other transcripts: intron variant (1).
Genome position (GRCh38, 1-based): chr3:129,436,800, T>A on the plus strand (A>T on the coding strand, the complement: MBD4 is on the minus strand). VCF-style: chr3-129436800-T-A. GRCh37 (hg19) VCF-style: chr3-129155643-T-A.
Other names: c.844A>T, p.Ser282Cys (NM_001276271.2, NM_001276272.2, NM_003925.3); c.247+1008A>T (NM_001276273.2); short protein forms S282C.
Identifiers: ClinVar variation 4825694 (VCV004825694.1).